The following is an entry in ClinVar:

NM_001377137.1(GBF1):c.5455C>T (p.Gln1819Ter)

Gene: GBF1 (golgi brefeldin A resistant guanine nucleotide exchange factor 1; plus strand). Cytogenetic location: 10q24.32.
Variant type: single nucleotide variant.
Coding change: c.5455C>T on transcript NM_001377137.1 (MANE Select); coding-DNA position 5455, C replaced by T.
Protein change: p.Gln1819Ter; replaces glutamine 1819 with a stop codon.
Molecular consequence: nonsense. On other transcripts: non-coding transcript variant (5).
Genome position (GRCh38, 1-based): chr10:102,382,208, C>T. VCF-style: chr10-102382208-C-T. GRCh37 (hg19) VCF-style: chr10-104141965-C-T.
Other names: c.5443C>T, p.Gln1815Ter (NM_001199378.2, NM_001391923.1); c.5440C>T, p.Gln1814Ter (NM_001199379.2, NM_001391924.1); c.5404C>T, p.Gln1802Ter (NM_001377138.1); c.5158C>T, p.Gln1720Ter (NM_001377139.1, NM_001391930.1); c.5146C>T, p.Gln1716Ter (NM_001377140.1); c.5452C>T, p.Gln1818Ter (NM_001377141.1, NM_004193.3); c.5539C>T, p.Gln1847Ter (NM_001391922.1); c.5416C>T, p.Gln1806Ter (NM_001391925.1); and 7 more; short protein forms Q1803*, Q1847*, Q1851*, Q1720*, Q1814*, Q1767*, Q1806*, Q1819*.
Identifiers: ClinVar variation 2192626 (VCV002192626.1), dbSNP rs2544537349, ClinGen allele CA377895224.

ClinVar aggregate classification (germline): Uncertain significance (1 of 4 stars; one submission).

Allele frequency attached by ClinVar (database versions not stated): gnomAD exomes below 0.00001.
gnomAD v4.1: 1 of 1,614,052 alleles (0.000062%); highest among the groups gnomAD compares: Non-Finnish European, 0.000085%; no homozygotes.

Submission:

Labcorp Genetics (formerly Invitae), Labcorp
Classification: Uncertain significance. Last evaluated: 2022-07-26. Review status: criteria provided, single submitter. Criteria: Invitae Variant Classification Sherloc (09022015). Collection method: clinical testing. Allele origin: germline.
Comment: This sequence change creates a premature translational stop signal (p.Gln1818*) in the GBF1 gene. While this is not anticipated to result in nonsense mediated decay, it is expected to disrupt the last 42 amino acid(s) of the GBF1 protein. This variant is not present in population databases (gnomAD no frequency). This variant has not been reported in the literature in individuals affected with GBF1-related conditions. Algorithms developed to predict the effect of sequence changes on RNA splicing suggest that this variant may create or strengthen a splice site. In summary, the available evidence is currently insufficient to determine the role of this variant in disease. Therefore, it has been classified as a Variant of Uncertain Significance.